The following is an entry in ClinVar:

NM_006231.4(POLE):c.2131T>C (p.Ser711Pro)

Gene: POLE (DNA polymerase epsilon, catalytic subunit; minus strand). Cytogenetic location: 12q24.33.
Variant type: single nucleotide variant.
Coding change: c.2131T>C on transcript NM_006231.4 (MANE Select); coding-DNA position 2131, T replaced by C.
Protein change: p.Ser711Pro; replaces serine 711 with proline.
Molecular consequence: missense variant.
Genome position (GRCh38, 1-based): chr12:132,668,398, A>G on the plus strand (T>C on the coding strand, the complement: POLE is on the minus strand). VCF-style: chr12-132668398-A-G. GRCh37 (hg19) VCF-style: chr12-133244984-A-G.
Other names: short protein forms S711P.
Identifiers: ClinVar variation 405853 (VCV000405853.18), dbSNP rs374800058, ClinGen allele CA6893673.

ClinVar aggregate classification (germline): Uncertain significance. Review status: criteria provided, multiple submitters, no conflicts (2 of 4 stars). 6 submissions from 6 submitters: Uncertain significance (5). 1 of the submissions does not count toward it. Last evaluated 2026-02-03.

Conditions:
POLE-related disorder. Also called: POLE-related condition; POLE-related disorders.
Hereditary cancer-predisposing syndrome. Also called: Hereditary neoplastic syndrome; Neoplastic Syndromes, Hereditary; Hereditary Cancer Syndrome; Tumor predisposition. Identifiers: Orphanet 140162, MedGen C0027672, MeSH D009386, MONDO:0015356.
Facial dysmorphism-immunodeficiency-livedo-short stature syndrome. Also called: Facial dysmorphism, immunodeficiency, livedo, and short stature; FILS syndrome. Identifiers: Orphanet 352712, MedGen C3554576, MONDO:0014058, OMIM 615139.
Colorectal cancer, susceptibility to, 12 (CRCS12). Also called: COLORECTAL CANCER, SUSCEPTIBILITY TO, ON CHROMOSOME 12q24. Identifiers: Orphanet 220460, MedGen C3554460, MONDO:0014038, OMIM 615083.

Allele frequency attached by ClinVar (database versions not stated): gnomAD exomes 0.00002 and 0.00003; gnomAD 0.00003 and 0.00004; TOPMed 0.00003; ExAC 0.00004; ESP Exome Variant Server 0.00008.
gnomAD v4.1: 30 of 1,609,994 alleles (0.0019%); highest among the groups gnomAD compares: Non-Finnish European, 0.00051%; no homozygotes.

Submissions (6):

Labcorp Genetics (formerly Invitae), Labcorp
Classification: Uncertain significance. Last evaluated: 2026-02-03. Review status: criteria provided, single submitter. Criteria: Invitae Variant Classification Sherloc (09022015). Collection method: clinical testing. Allele origin: germline.
Comment: This sequence change replaces serine, which is neutral and polar, with proline, which is neutral and non-polar, at codon 711 of the POLE protein (p.Ser711Pro). This variant is present in population databases (rs374800058, gnomAD 0.07%). This variant has not been reported in the literature in individuals affected with POLE-related conditions. ClinVar contains an entry for this variant (Variation ID: 405853). Invitae Evidence Modeling of protein sequence and biophysical properties (such as structural, functional, and spatial information, amino acid conservation, physicochemical variation, residue mobility, and thermodynamic stability) indicates that this missense variant is not expected to disrupt POLE protein function with a negative predictive value of 80%. In summary, the available evidence is currently insufficient to determine the role of this variant in disease. Therefore, it has been classified as a Variant of Uncertain Significance.

GeneDx
Classification: Uncertain significance. Last evaluated: 2025-08-28. Review status: criteria provided, single submitter. Criteria: GeneDx Variant Classification Process June 2021. Collection method: clinical testing. Allele origin: germline. Affected: yes.
Comment: In silico analysis supports that this missense variant has a deleterious effect on protein structure/function; Has not been previously published as pathogenic or benign to our knowledge; This variant is associated with the following publications: (PMID: 23376243, 20951805)

Ambry Genetics
Classification: Uncertain significance for Hereditary cancer-predisposing syndrome. Last evaluated: 2024-12-17. Review status: criteria provided, single submitter. Criteria: Ambry Variant Classification Scheme 2023. Collection method: clinical testing. Allele origin: germline.
Comment: The p.S711P variant (also known as c.2131T>C), located in coding exon 19 of the POLE gene, results from a T to C substitution at nucleotide position 2131. The serine at codon 711 is replaced by proline, an amino acid with similar properties. This amino acid position is well conserved in available vertebrate species. In addition, this alteration is predicted to be tolerated by in silico analysis. Based on the available evidence, the clinical significance of this variant remains unclear.

Blueprint Genetics
Classification: Uncertain significance. Last evaluated: 2024-03-04. Review status: criteria provided, single submitter. Criteria: ACMG Guidelines, 2015. Collection method: clinical testing. Allele origin: germline.

Fulgent Genetics
Classification: Uncertain significance for Colorectal cancer, susceptibility to, 12; Facial dysmorphism-immunodeficiency-livedo-short stature syndrome. Last evaluated: 2018-10-31. Review status: criteria provided, single submitter. Criteria: ACMG Guidelines, 2015. Collection method: clinical testing. Allele origin: unknown.

PreventionGenetics, part of Exact Sciences
Classification: Uncertain significance for POLE-related condition. Last evaluated: 2024-01-11. Review status: no assertion criteria provided. Collection method: clinical testing. Allele origin: germline. Not counted in ClinVar's aggregate classification.
Comment: The POLE c.2131T>C variant is predicted to result in the amino acid substitution p.Ser711Pro. To our knowledge, this variant has not been reported in the literature. This variant is reported in 0.069% of alleles in individuals of Ashkenazi Jewish descent in gnomAD and has been interpreted as a variant of uncertain significance in ClinVar. At this time, the clinical significance of this variant is uncertain due to the absence of conclusive functional and genetic evidence.